The following is an entry in ClinVar:

ClinVar aggregate classification (germline): Conflicting classifications of pathogenicity. Review status: criteria provided, conflicting classifications (1 of 4 stars). 8 submissions from 8 submitters: Likely pathogenic (1); Uncertain significance (2); Benign (1); Likely benign (2). 2 of the submissions do not count toward it. Last evaluated 2026-01-20.

Conditions:
PYGM-related disorder. Also called: PYGM-related condition.
Tip-toe gait. Also called: Toe walking. Identifiers: MedGen C0427144, HP:0030051.
Glycogen storage disease, type V (GSD5). Also called: MCARDLE DISEASE; MUSCLE GLYCOGEN PHOSPHORYLASE DEFICIENCY; MYOPHOSPHORYLASE DEFICIENCY; PYGM DEFICIENCY; McArdle type glycogen storage disease. Identifiers: Orphanet 368, MedGen C0017924, MONDO:0009293, OMIM 232600.

Allele frequency attached by ClinVar (database versions not stated): gnomAD exomes 0.00007 and 0.00018; ExAC 0.00023; gnomAD 0.00060 and 0.00062; TOPMed 0.00060; 1000 Genomes Project 30x 0.00062; ESP Exome Variant Server 0.00062; 1000 Genomes Project 0.00080.
gnomAD v4.1: 199 of 1,613,072 alleles (0.012%); highest among the groups gnomAD compares: African/African-American, 0.23%; 1 homozygote.

Submissions (8):

Labcorp Genetics (formerly Invitae), Labcorp
Classification: Benign for Glycogen storage disease, type V. Last evaluated: 2026-01-20. Review status: criteria provided, single submitter. Criteria: Invitae Variant Classification Sherloc (09022015). Collection method: clinical testing. Allele origin: germline.

Blueprint Genetics
Classification: Likely benign. Last evaluated: 2024-11-26. Review status: criteria provided, single submitter. Criteria: ACMG Guidelines, 2015. Collection method: clinical testing. Allele origin: germline.

Practice for Gait Abnormalities, David Pomarino, Competency Network Toe Walking C/o Practice Pomarino
Classification: Likely pathogenic for Tip-toe gait. Last evaluated: 2022-11-28. Review status: criteria provided, single submitter. Criteria: Pomarino et al. (J Musculoskelet Neuronal Interact. 2026). Collection method: clinical testing. Allele origin: germline. Affected: yes.

Illumina Laboratory Services, Illumina
Classification: Uncertain significance for Glycogen storage disease, type V. Last evaluated: 2018-01-13. Review status: criteria provided, single submitter. Criteria: ICSL Variant Classification Criteria 13 December 2019. Collection method: clinical testing. Allele origin: germline.

Eurofins Ntd Llc (ga)
Classification: Uncertain significance. Last evaluated: 2017-01-11. Review status: criteria provided, single submitter. Criteria: EGL Classification Definitions 2015. Collection method: clinical testing. Allele origin: germline. Observed: 2 variant alleles, 2 heterozygotes.

GeneDx
Classification: Likely benign. Last evaluated: 2016-11-02. Review status: criteria provided, single submitter. Criteria: GeneDx Variant Classification (06012015). Collection method: clinical testing. Allele origin: germline. Affected: yes.
Comment: This variant is considered likely benign or benign based on one or more of the following criteria: it is a conservative change, it occurs at a poorly conserved position in the protein, it is predicted to be benign by multiple in silico algorithms, and/or has population frequency not consistent with disease.

Natera, Inc.
Classification: Likely benign for Glycogen storage disease V. Last evaluated: 2020-01-31. Review status: no assertion criteria provided. Collection method: clinical testing. Allele origin: germline. Not counted in ClinVar's aggregate classification.

PreventionGenetics, part of Exact Sciences
Classification: Likely benign for PYGM-related condition. Last evaluated: 2019-03-06. Review status: no assertion criteria provided. Collection method: clinical testing. Allele origin: germline. Not counted in ClinVar's aggregate classification.
Comment: This variant is classified as likely benign based on ACMG/AMP sequence variant interpretation guidelines (Richards et al. 2015 PMID: 25741868, with internal and published modifications).

NM_005609.4(PYGM):c.1083C>T (p.Asp361=)

Gene: PYGM (glycogen phosphorylase, muscle associated; minus strand). Cytogenetic location: 11q13.1.
Variant type: single nucleotide variant.
Coding change: c.1083C>T on transcript NM_005609.4 (MANE Select); coding-DNA position 1083, C replaced by T.
Protein change: p.Asp361=; no amino-acid change (aspartic acid 361 retained).
Molecular consequence: synonymous variant.
Genome position (GRCh38, 1-based): chr11:64,754,262, G>A on the plus strand (C>T on the coding strand, the complement: PYGM is on the minus strand). VCF-style: chr11-64754262-G-A. GRCh37 (hg19) VCF-style: chr11-64521734-G-A.
Other names: c.819C>T, p.Asp273= (NM_001164716.1).
Identifiers: ClinVar variation 285213 (VCV000285213.26), dbSNP rs141959242, ClinGen allele CA6080018.